The following is an entry in ClinVar:

NM_001365536.1(SCN9A):c.3875T>G (p.Leu1292Arg)

Genes: SCN1A-AS1 (SCN1A and SCN9A antisense RNA 1; plus strand), SCN9A (sodium voltage-gated channel alpha subunit 9; minus strand). Cytogenetic location: 2q24.3.
Variant type: single nucleotide variant.
Coding change: c.3875T>G on transcript NM_001365536.1 (MANE Select); coding-DNA position 3875, T replaced by G.
Protein change: p.Leu1292Arg; replaces leucine 1292 with arginine.
Molecular consequence: missense variant.
Genome position (GRCh38, 1-based): chr2:166,233,389, A>C on the plus strand (T>G on the coding strand, the complement: SCN9A is on the minus strand). VCF-style: chr2-166233389-A-C. GRCh37 (hg19) VCF-style: chr2-167089899-A-C.
Other names: c.3842T>G, p.Leu1281Arg (NM_002977.4); short protein forms L1292R, L1281R.
Identifiers: ClinVar variation 2939133 (VCV002939133.3), dbSNP rs1695180545, ClinGen allele CA349066444.
Genomic context (GRCh38, chr2:166,233,389, plus strand): 5'-TATTTTCTTACCCTCATTCCTTCAAATCTAGATAAGGCTCTTAGAGGTCTTAAAGCTCTC[A>C]GTGTCCGAAGGGATTTAATGGGGCCAAGATCTGAGTAGCCAAGAGTGTTTGCCACTAAAG-3'
Protein context (NP_001352465.1, residues 1282-1302): DLGPIKSLRT[Leu1292Arg]RALRPLRALS

ClinVar aggregate classification (germline): Uncertain significance (1 of 4 stars; one submission).

Conditions:
Neuropathy, hereditary sensory and autonomic, type 2A (HSAN2A). Also called: ACROOSTEOLYSIS, GIACCAI TYPE; ACROOSTEOLYSIS, NEUROGENIC; MORVAN DISEASE; NEUROPATHY, CONGENITAL SENSORY; NEUROPATHY, HEREDITARY SENSORY RADICULAR, AUTOSOMAL RECESSIVE; NEUROPATHY, HEREDITARY SENSORY, TYPE IIA. Identifiers: Orphanet 970, MedGen C2752089, MONDO:0024309, OMIM 201300.
Generalized epilepsy with febrile seizures plus, type 7 (GEFSP7). Also called: GEFS+, TYPE 7. Identifiers: Orphanet 36387, MedGen C2751778, MONDO:0013470, OMIM 613863.

Submission:

Labcorp Genetics (formerly Invitae), Labcorp
Classification: Uncertain significance for Neuropathy, hereditary sensory and autonomic, type 2A; Generalized epilepsy with febrile seizures plus, type 7. Last evaluated: 2023-03-14. Review status: criteria provided, single submitter. Criteria: Invitae Variant Classification Sherloc (09022015). Collection method: clinical testing. Allele origin: germline.
Comment: In summary, the available evidence is currently insufficient to determine the role of this variant in disease. Therefore, it has been classified as a Variant of Uncertain Significance. Advanced modeling of protein sequence and biophysical properties (such as structural, functional, and spatial information, amino acid conservation, physicochemical variation, residue mobility, and thermodynamic stability) has been performed at Invitae for this missense variant, however the output from this modeling did not meet the statistical confidence thresholds required to predict the impact of this variant on SCN9A protein function. This variant has not been reported in the literature in individuals affected with SCN9A-related conditions. This variant is not present in population databases (gnomAD no frequency). This sequence change replaces leucine, which is neutral and non-polar, with arginine, which is basic and polar, at codon 1281 of the SCN9A protein (p.Leu1281Arg).